The following is an entry in ClinVar:

NM_001111125.3(IQSEC2):c.3693_3698del (p.Ser1233_Ser1234del)

Gene: IQSEC2 (IQ motif and Sec7 domain ArfGEF 2; minus strand). Cytogenetic location: Xp11.22.
Variant type: Deletion.
Coding change: c.3693_3698del on transcript NM_001111125.3 (MANE Select); coding-DNA positions 3693 to 3698, 6 bases deleted (CTCTTC; older notation c.3693_3698delCTCTTC).
Protein change: p.Ser1233_Ser1234del.
Molecular consequence: inframe deletion. On other transcripts: 3 prime UTR variant (1).
Genome position (GRCh38, 1-based): chrX:53,234,988-53,234,993, GAAGAG deleted on the plus strand (CTCTTC on the coding strand, the reverse complement: IQSEC2 is on the minus strand); deleting any 6 consecutive bases within chrX:53,234,988-53,234,995 gives the same sequence; the c. name uses the placement nearest the transcript's 3' end. VCF-style (leftmost placement, unchanged base first): chrX-53234987-TGAAGAG-T. GRCh37 (hg19) VCF-style: chrX-53264169-TGAAGAG-T.
Other names: c.3693_3698del (NM_001111125.1); c.*178_*183del (NM_015075.2).
Identifiers: ClinVar variation 1427052 (VCV001427052.10), dbSNP rs782029247, ClinGen allele CA10419780.

ClinVar aggregate classification (germline): Uncertain significance. Review status: criteria provided, multiple submitters, no conflicts (2 of 4 stars). 2 submissions from 2 submitters: Uncertain significance (2). Last evaluated 2026-10-15.

Conditions:
Intellectual developmental disorder, X-linked 1. Also called: Atkin Flaitz Patil Smith syndrome; Intellectual disability, X-linked 1; MENTAL RETARDATION, X-LINKED 18; MENTAL RETARDATION, X-LINKED 78. Identifiers: Orphanet 777, MedGen C2931498, MONDO:0010656, OMIM 309530.

Submissions (2):

GeneDx
Classification: Uncertain significance. Last evaluated: 2026-10-15. Review status: criteria provided, single submitter. Criteria: GeneDx Variant Classification Process June 2021. Collection method: clinical testing. Allele origin: germline.
Comment: In-frame deletion of 2 amino acid(s) in a non-repeat region; In silico analysis indicates that this variant does not alter protein structure/function; Has not been previously published as pathogenic or benign to our knowledge

Labcorp Genetics (formerly Invitae), Labcorp
Classification: Uncertain significance for Intellectual developmental disorder, X-linked 1. Last evaluated: 2021-05-10. Review status: criteria provided, single submitter. Criteria: Invitae Variant Classification Sherloc (09022015). Collection method: clinical testing. Allele origin: germline.
Comment: This variant, c.3693_3698del, results in the deletion of 2 amino acid(s) of the IQSEC2 protein (p.Ser1233_Ser1234del), but otherwise preserves the integrity of the reading frame. The frequency data for this variant in the population databases is considered unreliable, as metrics indicate poor data quality at this position in the ExAC database. This variant has been observed in individual(s) with clinical features of IQSEC2-related conditions (Invitae). Experimental studies and prediction algorithms are not available or were not evaluated, and the functional significance of this variant is currently unknown. In summary, the available evidence is currently insufficient to determine the role of this variant in disease. Therefore, it has been classified as a Variant of Uncertain Significance.